The following is an entry in ClinVar:

NM_001370466.1(NOD2):c.2171A>G (p.Glu724Gly)

Gene: NOD2 (nucleotide binding oligomerization domain containing 2; plus strand). Cytogenetic location: 16q12.1.
Variant type: single nucleotide variant.
Coding change: c.2171A>G on transcript NM_001370466.1 (MANE Select); coding-DNA position 2171, A replaced by G.
Protein change: p.Glu724Gly; replaces glutamic acid 724 with glycine.
Molecular consequence: missense variant. On other transcripts: non-coding transcript variant (1).
Genome position (GRCh38, 1-based): chr16:50,712,163, A>G. VCF-style: chr16-50712163-A-G. GRCh37 (hg19) VCF-style: chr16-50746074-A-G.
Other names: c.2171A>G, p.Glu724Gly (NM_001293557.2); c.2252A>G, p.Glu751Gly (NM_022162.3); short protein forms E724G, E751G.
Identifiers: ClinVar variation 945786 (VCV000945786.10), dbSNP rs1964561689, ClinGen allele CA395871543.

ClinVar aggregate classification (germline): Uncertain significance (1 of 4 stars; one submission).

Conditions:
Blau syndrome (BLAUS). Also called: GRANULOMATOSIS, FAMILIAL JUVENILE SYSTEMIC; GRANULOMATOSIS, FAMILIAL, BLAU TYPE; GRANULOMATOUS INFLAMMATORY ARTHRITIS, DERMATITIS, AND UVEITIS, FAMILIAL; JABS SYNDROME; ARTHROCUTANEOUVEAL GRANULOMATOSIS. Identifiers: Orphanet 90340, MedGen C5201146, MONDO:0008523, OMIM 186580.
Regional enteritis. Also called: Enteritis, Granulomatous. Identifiers: MedGen C0678202, MeSH D003424.

Submission:

Labcorp Genetics (formerly Invitae), Labcorp
Classification: Uncertain significance for Regional enteritis; Blau syndrome. Last evaluated: 2019-10-09. Review status: criteria provided, single submitter. Criteria: Invitae Variant Classification Sherloc (09022015). Collection method: clinical testing. Allele origin: germline.
Comment: In summary, the available evidence is currently insufficient to determine the role of this variant in disease. Therefore, it has been classified as a Variant of Uncertain Significance. Algorithms developed to predict the effect of missense changes on protein structure and function are either unavailable or do not agree on the potential impact of this missense change (SIFT: "Deleterious"; PolyPhen-2: "Benign"; Align-GVGD: "Class C0"). This variant has not been reported in the literature in individuals with NOD2-related conditions. This variant is not present in population databases (ExAC no frequency). This sequence change replaces glutamic acid with glycine at codon 751 of the NOD2 protein (p.Glu751Gly). The glutamic acid residue is moderately conserved and there is a moderate physicochemical difference between glutamic acid and glycine.